The following is an entry in ClinVar:

ClinVar aggregate classification (germline): Benign. Review status: criteria provided, multiple submitters, no conflicts (2 of 4 stars). 14 submissions from 13 submitters: Benign (11). 3 of the submissions do not count toward it. Last evaluated 2026-02-04.

Conditions:
Spinal muscular atrophy-progressive myoclonic epilepsy syndrome. Also called: Hereditary myoclonus and progressive distal muscular atrophy; MYOCLONUS, HEREDITARY, WITH PROGRESSIVE DISTAL MUSCULAR ATROPHY; Spinal Muscular Atrophy with Progressive Myoclonic Epilepsy (SMA-PME); Spinal muscular atrophy with progressive myoclonic epilepsy. Identifiers: Orphanet 2590, MedGen C1834569, MONDO:0008045, OMIM 159950.
Farber lipogranulomatosis (FRBRL). Also called: AC DEFICIENCY; ACID CERAMIDASE DEFICIENCY; CERAMIDASE DEFICIENCY; N-LAURYLSPHINGOSINE DEACYLASE DEFICIENCY; Farber's lipogranulomatosis; Farber's disease. Identifiers: Orphanet 333, MedGen C0268255, MONDO:0009218, OMIM 228000.

Allele frequency attached by ClinVar (database versions not stated): 1000 Genomes Project 30x 0.41974; 1000 Genomes Project 0.41993; ESP Exome Variant Server 0.42017; gnomAD 0.42285 and 0.42771; TOPMed 0.43316; gnomAD exomes 0.47087 and 0.48655; ExAC 0.47781.
gnomAD v4.1: 704,630 of 1,510,636 alleles (47%); highest among the groups gnomAD compares: Admixed American, 61%; 169,448 homozygotes.

Submissions (14):

Labcorp Genetics (formerly Invitae), Labcorp
Classification: Benign. Last evaluated: 2026-02-04. Review status: criteria provided, single submitter. Criteria: Invitae Variant Classification Sherloc (09022015). Collection method: clinical testing. Allele origin: germline.

Blueprint Genetics
Classification: Benign. Last evaluated: 2024-11-27. Review status: criteria provided, single submitter. Criteria: ACMG Guidelines, 2015. Collection method: clinical testing. Allele origin: germline.

Genome-Nilou Lab
Classification: Benign for Farber lipogranulomatosis. Last evaluated: 2021-07-14. Review status: criteria provided, single submitter. Criteria: ACMG Guidelines, 2015. Collection method: clinical testing. Allele origin: germline. Affected: no.

Genome-Nilou Lab
Classification: Benign for Spinal muscular atrophy-progressive myoclonic epilepsy syndrome. Last evaluated: 2021-07-14. Review status: criteria provided, single submitter. Criteria: ACMG Guidelines, 2015. Collection method: clinical testing. Allele origin: germline. Affected: no.

GeneDx
Classification: Benign. Last evaluated: 2018-06-19. Review status: criteria provided, single submitter. Criteria: GeneDx Variant Classification (06012015). Collection method: clinical testing. Allele origin: germline. Affected: yes.
Comment: This variant is considered likely benign or benign based on one or more of the following criteria: it is a conservative change, it occurs at a poorly conserved position in the protein, it is predicted to be benign by multiple in silico algorithms, and/or has population frequency not consistent with disease.

Illumina Laboratory Services, Illumina
Classification: Benign for Farber lipogranulomatosis. Last evaluated: 2018-01-13. Review status: criteria provided, single submitter. Criteria: ICSL Variant Classification Criteria 13 December 2019. Collection method: clinical testing. Allele origin: germline.
Comment: This variant was observed in the ICSL laboratory as part of a predisposition screen in an ostensibly healthy population. It had not been previously curated by ICSL or reported in the Human Gene Mutation Database (HGMD: prior to June 1st, 2018), and was therefore a candidate for classification through an automated scoring system. Utilizing variant allele frequency, disease prevalence and penetrance estimates, and inheritance mode, an automated score was calculated to assess if this variant is too frequent to cause the disease. Based on the score and internal cut-off values, a variant classified as benign is not then subjected to further curation. The score for this variant resulted in a classification of benign for this disease.

Athena Diagnostics
Classification: Benign. Last evaluated: 2017-04-20. Review status: criteria provided, single submitter. Criteria: Athena Diagnostics Criteria. Collection method: clinical testing. Allele origin: germline.

Laboratory for Molecular Medicine, Mass General Brigham Personalized Medicine
Classification: Benign. Last evaluated: 2016-03-29. Review status: criteria provided, single submitter. Criteria: LMM Criteria. Collection method: clinical testing. Allele origin: germline.
Comment: Variant identified in a genome or exome case(s) and assessed due to predicted null impact of the variant or pathogenic assertions in the literature or databases. Disclaimer: This variant has not undergone full assessment. The following are preliminary notes: 48% of total chromosomes in ExAC

Eurofins Ntd Llc (ga)
Classification: Benign. Last evaluated: 2015-04-06. Review status: criteria provided, single submitter. Criteria: EGL Classification Definitions 2015. Collection method: clinical testing. Allele origin: germline. Observed: 1 variant allele, 1 homozygote.

Breakthrough Genomics
Classification: Benign. Review status: criteria provided, single submitter. Criteria: ACMG Guidelines, 2015. Collection method: not provided. Allele origin: germline. Inheritance: Autosomal recessive inheritance. Affected: yes.

PreventionGenetics, part of Exact Sciences
Classification: Benign. Review status: criteria provided, single submitter. Criteria: ACMG Guidelines, 2015. Collection method: clinical testing. Allele origin: germline.

Mayo Clinic Laboratories, Mayo Clinic
Classification: Benign. Last evaluated: 2015-10-22. Review status: no assertion criteria provided. Collection method: clinical testing. Allele origin: unknown. Not counted in ClinVar's aggregate classification.

Clinical Genetics, Academic Medical Center
Classification: Benign. Review status: no assertion criteria provided. Collection method: clinical testing. Allele origin: germline. Affected: yes. Study: VKGL Data-share Consensus. Not counted in ClinVar's aggregate classification.

Diagnostic Laboratory, Department of Genetics, University Medical Center Groningen
Classification: Benign. Review status: no assertion criteria provided. Collection method: clinical testing. Allele origin: germline. Affected: yes. Study: VKGL Data-share Consensus. Not counted in ClinVar's aggregate classification.

NM_177924.5(ASAH1):c.303+7G>A

Gene: ASAH1 (N-acylsphingosine amidohydrolase 1; minus strand). Cytogenetic location: 8p22.
Variant type: single nucleotide variant.
Coding change: c.303+7G>A on transcript NM_177924.5 (MANE Select); 7 bases into the intron after coding-DNA position 303, G replaced by A.
Molecular consequence: intron variant.
Genome position (GRCh38, 1-based): chr8:18,069,785, C>T on the plus strand (G>A on the coding strand, the complement: ASAH1 is on the minus strand). VCF-style: chr8-18069785-C-T. GRCh37 (hg19) VCF-style: chr8-17927294-C-T.
Other names: c.351+7G>A (NM_004315.6); c.285+1515G>A (NM_001127505.3); c.108+7G>A (NM_001363743.2).
Identifiers: ClinVar variation 197388 (VCV000197388.30), dbSNP rs4921834, ClinGen allele CA202850.